The following is an entry in ClinVar:

ClinVar aggregate classification (germline): Uncertain significance. Review status: criteria provided, multiple submitters, no conflicts (2 of 4 stars). 2 submissions from 2 submitters: Uncertain significance (2). Last evaluated 2026-05-11.

Conditions:
LZTFL1-related disorder. Also called: LZTFL1-related condition.

Allele frequency attached by ClinVar (database versions not stated): gnomAD exomes below 0.00001; TOPMed 0.00002.
gnomAD v4.1: 6 of 1,603,724 alleles (0.00037%); highest among the groups gnomAD compares: East Asian, 0.0022%; no homozygotes.

Submissions (2):

PreventionGenetics, part of Exact Sciences
Classification: Uncertain significance for LZTFL1-related condition. Last evaluated: 2026-05-11. Review status: criteria provided, single submitter. Criteria: ACMG Guidelines, 2015. Collection method: clinical testing. Allele origin: germline.
Comment: The LZTFL1 c.609A>G variant is predicted to result in the amino acid substitution p.Ile203Met. To our knowledge, this variant has not been reported in the literature or in a large population database (gnomAD), indicating this variant is rare. At this time, the clinical significance of this variant is uncertain due to the absence of conclusive functional and genetic evidence.

Labcorp Genetics (formerly Invitae), Labcorp
Classification: Uncertain significance. Last evaluated: 2023-07-14. Review status: criteria provided, single submitter. Criteria: Invitae Variant Classification Sherloc (09022015). Collection method: clinical testing. Allele origin: germline.
Comment: In summary, the available evidence is currently insufficient to determine the role of this variant in disease. Therefore, it has been classified as a Variant of Uncertain Significance. Advanced modeling of protein sequence and biophysical properties (such as structural, functional, and spatial information, amino acid conservation, physicochemical variation, residue mobility, and thermodynamic stability) performed at Invitae indicates that this missense variant is not expected to disrupt LZTFL1 protein function. ClinVar contains an entry for this variant (Variation ID: 960742). This variant has not been reported in the literature in individuals affected with LZTFL1-related conditions. This variant is not present in population databases (gnomAD no frequency). This sequence change replaces isoleucine, which is neutral and non-polar, with methionine, which is neutral and non-polar, at codon 203 of the LZTFL1 protein (p.Ile203Met).

NM_020347.4(LZTFL1):c.609A>G (p.Ile203Met)

Gene: LZTFL1 (leucine zipper transcription factor like 1; minus strand). Cytogenetic location: 3p21.31.
Variant type: single nucleotide variant.
Coding change: c.609A>G on transcript NM_020347.4 (MANE Select); coding-DNA position 609, A replaced by G.
Protein change: p.Ile203Met; replaces isoleucine 203 with methionine.
Molecular consequence: missense variant. On other transcripts: non-coding transcript variant (1).
Genome position (GRCh38, 1-based): chr3:45,828,607, T>C on the plus strand (A>G on the coding strand, the complement: LZTFL1 is on the minus strand). VCF-style: chr3-45828607-T-C. GRCh37 (hg19) VCF-style: chr3-45870099-T-C.
Other names: c.558A>G, p.Ile186Met (NM_001276378.2, NM_001386451.1); c.597A>G, p.Ile199Met (NM_001276379.2); c.609A>G, p.Ile203Met (NM_001386452.1); short protein forms I186M, I199M, I203M.
Identifiers: ClinVar variation 960742 (VCV000960742.6), dbSNP rs1201725995, ClinGen allele CA352448510.